The following is an entry in ClinVar:

NM_198060.4(NRAP):c.4705G>A (p.Asp1569Asn)

Gene: NRAP (nebulin related anchoring protein; minus strand). Cytogenetic location: 10q25.3.
Variant type: single nucleotide variant.
Coding change: c.4705G>A on transcript NM_198060.4 (MANE Select); coding-DNA position 4705, G replaced by A.
Protein change: p.Asp1569Asn; replaces aspartic acid 1569 with asparagine.
Molecular consequence: missense variant.
Genome position (GRCh38, 1-based): chr10:113,590,829, C>T on the plus strand (G>A on the coding strand, the complement: NRAP is on the minus strand). VCF-style: chr10-113590829-C-T. GRCh37 (hg19) VCF-style: chr10-115350588-C-T.
Other names: c.4705G>A, p.Asp1569Asn (NM_001261463.2); c.4597G>A, p.Asp1533Asn (NM_001322945.2); c.4600G>A, p.Asp1534Asn (NM_006175.5); c.4705G>A (NM_001261463.1, NM_198060.3); short protein forms D1534N, D1533N, D1569N.
Identifiers: ClinVar variation 2236321 (VCV002236321.5), dbSNP rs11575798, ClinGen allele CA5694302.

ClinVar aggregate classification (germline): Likely benign. Review status: criteria provided, multiple submitters, no conflicts (2 of 4 stars). 3 submissions from 3 submitters: Likely benign (2). 1 of the submissions does not count toward it. Last evaluated 2025-04-09.

Conditions:
Inborn genetic diseases. Identifiers: MedGen C0950123, MeSH D030342.
NRAP-related disorder. Also called: NRAP-related condition.

Allele frequency attached by ClinVar (database versions not stated): 1000 Genomes Project 30x 0.00031; ExAC 0.00035; 1000 Genomes Project 0.00040; gnomAD 0.00093; ESP Exome Variant Server 0.00108; TOPMed 0.00111.

Submissions (3):

Molecular Diagnostic Laboratory for Inherited Cardiovascular Disease, Montreal Heart Institute
Classification: Likely benign. Last evaluated: 2025-04-09. Review status: criteria provided, single submitter. Criteria: ACMG Guidelines, 2015. Collection method: clinical testing. Allele origin: germline. Affected: no.
Comment: BS1, BP4

Ambry Genetics
Classification: Likely benign for Inborn genetic diseases. Last evaluated: 2021-07-09. Review status: criteria provided, single submitter. Criteria: Ambry Variant Classification Scheme 2023. Collection method: clinical testing. Allele origin: germline.

PreventionGenetics, part of Exact Sciences
Classification: Likely benign for NRAP-related condition. Last evaluated: 2021-01-27. Review status: no assertion criteria provided. Collection method: clinical testing. Allele origin: germline. Not counted in ClinVar's aggregate classification.
Comment: This variant is classified as likely benign based on ACMG/AMP sequence variant interpretation guidelines (Richards et al. 2015 PMID: 25741868, with internal and published modifications).